The following is an entry in ClinVar:

NM_002473.6(MYH9):c.5765+29G>T

Gene: MYH9 (myosin heavy chain 9; minus strand). Cytogenetic location: 22q12.3.
Variant type: single nucleotide variant.
Coding change: c.5765+29G>T on transcript NM_002473.6 (MANE Select); 29 bases into the intron after coding-DNA position 5765, G replaced by T.
Molecular consequence: intron variant.
Genome position (GRCh38, 1-based): chr22:36,284,064, C>A on the plus strand (G>T on the coding strand, the complement: MYH9 is on the minus strand). VCF-style: chr22-36284064-C-A. GRCh37 (hg19) VCF-style: chr22-36680110-C-A.
Identifiers: ClinVar variation 3046544 (VCV003046544.2), dbSNP rs35011248, ClinGen allele CA10208928.

ClinVar aggregate classification (germline): Likely benign (0 of 4 stars; one submission).

Conditions:
MYH9-related disorder. Identifiers: MedGen C1854520.

Allele frequency attached by ClinVar (database versions not stated): ExAC 0.00002; gnomAD exomes 0.00006.

Submission:

PreventionGenetics, part of Exact Sciences
Classification: Likely benign for MYH9-related condition. Last evaluated: 2023-01-19. Review status: no assertion criteria provided. Collection method: clinical testing. Allele origin: germline.
Comment: This variant is classified as likely benign based on ACMG/AMP sequence variant interpretation guidelines (Richards et al. 2015 PMID: 25741868, with internal and published modifications).